The following is an entry in ClinVar:

NM_001378477.3(NYX):c.398G>A (p.Arg133His)

Gene: NYX (nyctalopin; plus strand). Cytogenetic location: Xp11.4.
Variant type: single nucleotide variant.
Coding change: c.398G>A on transcript NM_001378477.3 (MANE Select); coding-DNA position 398, G replaced by A.
Protein change: p.Arg133His; replaces arginine 133 with histidine.
Molecular consequence: missense variant.
Genome position (GRCh38, 1-based): chrX:41,473,866, G>A. VCF-style: chrX-41473866-G-A. GRCh37 (hg19) VCF-style: chrX-41333119-G-A.
Other names: c.398G>A, p.Arg133His (NM_022567.3); short protein forms R133H.
Identifiers: ClinVar variation 2110766 (VCV002110766.4), dbSNP rs2519607202, ClinGen allele CA412990158.

ClinVar aggregate classification (germline): Uncertain significance (1 of 4 stars; one submission).

Allele frequency attached by ClinVar (database versions not stated): gnomAD exomes below 0.00001.
gnomAD v4.1: 1 of 1,112,659 alleles (0.00009%); highest among the groups gnomAD compares: Non-Finnish European, 0.00012%; no homozygotes.

Submission:

Labcorp Genetics (formerly Invitae), Labcorp
Classification: Uncertain significance. Last evaluated: 2022-03-13. Review status: criteria provided, single submitter. Criteria: Invitae Variant Classification Sherloc (09022015). Collection method: clinical testing. Allele origin: germline.
Comment: Algorithms developed to predict the effect of missense changes on protein structure and function are either unavailable or do not agree on the potential impact of this missense change (SIFT: "Tolerated"; PolyPhen-2: "Possibly Damaging"; Align-GVGD: "Class C0"). This sequence change replaces arginine, which is basic and polar, with histidine, which is basic and polar, at codon 138 of the NYX protein (p.Arg138His). This variant is not present in population databases (gnomAD no frequency). This variant has not been reported in the literature in individuals affected with NYX-related conditions. In summary, the available evidence is currently insufficient to determine the role of this variant in disease. Therefore, it has been classified as a Variant of Uncertain Significance.